The following is an entry in ClinVar:

NM_025137.4(SPG11):c.5437A>G (p.Arg1813Gly)

Gene: SPG11 (SPG11 vesicle trafficking associated, spatacsin; minus strand). Cytogenetic location: 15q21.1.
Variant type: single nucleotide variant.
Coding change: c.5437A>G on transcript NM_025137.4 (MANE Select); coding-DNA position 5437, A replaced by G.
Protein change: p.Arg1813Gly; replaces arginine 1813 with glycine.
Molecular consequence: missense variant.
Genome position (GRCh38, 1-based): chr15:44,584,243, T>C on the plus strand (A>G on the coding strand, the complement: SPG11 is on the minus strand). VCF-style: chr15-44584243-T-C. GRCh37 (hg19) VCF-style: chr15-44876441-T-C.
Other names: c.5437A>G, p.Arg1813Gly (NM_001160227.2); short protein forms R1813G.
Identifiers: ClinVar variation 646208 (VCV000646208.3), dbSNP rs1595843157, ClinGen allele CA392222549.

ClinVar aggregate classification (germline): Uncertain significance (1 of 4 stars; one submission).

Conditions:
Hereditary spastic paraplegia 11. Also called: SPASTIC PARAPLEGIA, AUTOSOMAL RECESSIVE, COMPLICATED, WITH THIN CORPUS CALLOSUM; SPASTIC PARAPLEGIA, AUTOSOMAL RECESSIVE, WITH MENTAL IMPAIRMENT AND THIN CORPUS CALLOSUM; Spastic Paraplegia 11; Nakamura Osame syndrome; Autosomal recessive hereditary spastic paraplegia, mental impairment, and thin corpus callosum; Spastic paraplegia, mental retardation and thin corpus callosum. Identifiers: Orphanet 2822, MedGen C1858479, MONDO:0011445, OMIM 604360.

Allele frequency attached by ClinVar (database versions not stated): TOPMed below 0.00001.

Submission:

Labcorp Genetics (formerly Invitae), Labcorp
Classification: Uncertain significance for Hereditary spastic paraplegia 11. Last evaluated: 2021-08-27. Review status: criteria provided, single submitter. Criteria: Invitae Variant Classification Sherloc (09022015). Collection method: clinical testing. Allele origin: germline.
Comment: This sequence change replaces arginine with glycine at codon 1813 of the SPG11 protein (p.Arg1813Gly). The arginine residue is weakly conserved and there is a moderate physicochemical difference between arginine and glycine. This variant is not present in population databases (ExAC no frequency). This variant has not been reported in the literature in individuals affected with SPG11-related conditions. Algorithms developed to predict the effect of missense changes on protein structure and function output the following: SIFT: "Tolerated"; PolyPhen-2: "Benign"; Align-GVGD: "Class C0". The glycine amino acid residue is found in multiple mammalian species, which suggests that this missense change does not adversely affect protein function. In summary, the available evidence is currently insufficient to determine the role of this variant in disease. Therefore, it has been classified as a Variant of Uncertain Significance.